The following is an entry in ClinVar:

NM_000257.4(MYH7):c.871T>C (p.Ser291Pro)

Gene: MYH7 (myosin heavy chain 7; minus strand). Cytogenetic location: 14q11.2.
Variant type: single nucleotide variant.
Coding change: c.871T>C on transcript NM_000257.4 (MANE Select); coding-DNA position 871, T replaced by C.
Protein change: p.Ser291Pro; replaces serine 291 with proline.
Molecular consequence: missense variant.
Genome position (GRCh38, 1-based): chr14:23,430,925, A>G on the plus strand (T>C on the coding strand, the complement: MYH7 is on the minus strand). VCF-style: chr14-23430925-A-G. GRCh37 (hg19) VCF-style: chr14-23900134-A-G.
Other names: p.S291P:TCT>CCT; c.871T>C (LRG_384t1); short protein forms S291P.
Identifiers: ClinVar variation 181328 (VCV000181328.5), dbSNP rs730880857, ClinGen allele CA016911.

ClinVar aggregate classification (germline): Conflicting classifications of pathogenicity. Review status: criteria provided, conflicting classifications (1 of 4 stars). 4 submissions from 4 submitters: Likely pathogenic (1); Uncertain significance (3). Last evaluated 2025-11-27.

Conditions:
Cardiovascular phenotype. Identifiers: MedGen CN230736.
Hypertrophic cardiomyopathy. Also called: HYPERTROPHIC MYOCARDIOPATHY. Identifiers: Orphanet 217569, MedGen C0007194, MeSH D002312, MONDO:0005045, HP:0001639.

Submissions (4):

Labcorp Genetics (formerly Invitae), Labcorp
Classification: Uncertain significance for Hypertrophic cardiomyopathy. Last evaluated: 2025-11-27. Review status: criteria provided, single submitter. Criteria: Invitae Variant Classification Sherloc (09022015). Collection method: clinical testing. Allele origin: germline.
Comment: This sequence change replaces serine, which is neutral and polar, with proline, which is neutral and non-polar, at codon 291 of the MYH7 protein (p.Ser291Pro). This variant is not present in population databases (gnomAD no frequency). This variant has not been reported in the literature in individuals affected with MYH7-related conditions. ClinVar contains an entry for this variant (Variation ID: 181328). Invitae Evidence Modeling of protein sequence and biophysical properties (such as structural, functional, and spatial information, amino acid conservation, physicochemical variation, residue mobility, and thermodynamic stability) indicates that this missense variant is expected to disrupt MYH7 protein function with a positive predictive value of 95%. This variant disrupts the p.Ser291 amino acid residue in MYH7. Other variant(s) that disrupt this residue have been determined to be pathogenic (internal data). This suggests that this residue is clinically significant, and that variants that disrupt this residue are likely to be disease-causing. In summary, the available evidence is currently insufficient to determine the role of this variant in disease. Therefore, it has been classified as a Variant of Uncertain Significance.

Ambry Genetics
Classification: Uncertain significance for Cardiovascular phenotype. Last evaluated: 2025-03-12. Review status: criteria provided, single submitter. Criteria: Ambry Variant Classification Scheme 2023. Collection method: clinical testing. Allele origin: germline.
Comment: The p.S291P variant (also known as c.871T>C), located in coding exon 8 of the MYH7 gene, results from a T to C substitution at nucleotide position 871. The serine at codon 291 is replaced by proline, an amino acid with similar properties. This amino acid position is highly conserved in available vertebrate species. In addition, this alteration is predicted to be deleterious by in silico analysis. Based on the available evidence, the clinical significance of this variant remains unclear.

Blueprint Genetics
Classification: Uncertain significance. Last evaluated: 2024-09-10. Review status: criteria provided, single submitter. Criteria: ACMG Guidelines, 2015. Collection method: clinical testing. Allele origin: germline.

GeneDx
Classification: Likely pathogenic. Last evaluated: 2014-10-02. Review status: criteria provided, single submitter. Criteria: GeneDx Variant Classification (06012015). Collection method: clinical testing. Allele origin: germline. Affected: yes.
Comment: p.Ser291Pro (TCT>CCT): c.871 T>C in exon 10 of the MYH7 gene (NM_000257.2). The S291P variant that is likely pathogenic was identified in the MYH7 gene. It has not been published as a mutation, nor has it been reported as a benign polymorphism to our knowledge. A mutation affecting the same residue, S291F, has been reported in association with HCM, however the authors did not provide clinical data or segregation information. Additionally, mutations in nearby residues (Y281T, L301Q) have been reported in association with cardiomyopathy, further supporting the functional importance of this residue and this region of the protein. S291P results in a non-conservative amino acid substitution of a polar Serine residue with a non-polar Proline residue. Furthermore, the S291P variant was not observed in approximately 6,500 individuals of European and African American ancestry in the NHLBI Exome Sequencing Project, indicating it is not a common benign variant in these populations. Therefore, this variant is a strong candidate for a pathogenic mutation, however the possibility that it is a benign variant cannot be excluded. The variant is found in DCM,DCM-CRDM panel(s).